The following is an entry in ClinVar:

NM_001369.3(DNAH5):c.7001G>A (p.Trp2334Ter)

Gene: DNAH5 (dynein axonemal heavy chain 5; minus strand). Cytogenetic location: 5p15.2.
Variant type: single nucleotide variant.
Coding change: c.7001G>A on transcript NM_001369.3 (MANE Select); coding-DNA position 7001, G replaced by A.
Protein change: p.Trp2334Ter; replaces tryptophan 2334 with a stop codon.
Molecular consequence: nonsense.
Genome position (GRCh38, 1-based): chr5:13,814,834, C>T on the plus strand (G>A on the coding strand, the complement: DNAH5 is on the minus strand). VCF-style: chr5-13814834-C-T. GRCh37 (hg19) VCF-style: chr5-13814943-C-T.
Other names: short protein forms W2334*.
Identifiers: ClinVar variation 5014118 (VCV005014118.1).

ClinVar aggregate classification (germline): Pathogenic (1 of 4 stars; one submission).

Conditions:
Primary ciliary dyskinesia 3. Identifiers: Orphanet 244, MedGen C1837618, MONDO:0012085, OMIM 608644.

Submission:

Myriad Genetics, Inc.
Classification: Pathogenic for Primary ciliary dyskinesia 3. Last evaluated: 2025-02-20. Review status: criteria provided, single submitter. Criteria: Myriad Autosomal Dominant, Autosomal Recessive and X-Linked Classification Criteria (2023). Collection method: clinical testing. Allele origin: unknown.
Comment: NM_001369.2(DNAH5):c.7001G>A(W2334*) is expected to be pathogenic in the context of primary ciliary dyskinesia, DNAH5-related. This variant is predicted to lead to an abnormal or absent protein product due to the creation of a premature termination codon in DNAH5, a gene where loss-of-function variants are known to be pathogenic. Please note: this variant was assessed in the context of healthy population screening.